The following is an entry in ClinVar:

NM_001110556.2(FLNA):c.25G>T (p.Gly9Cys)

Gene: FLNA (filamin A; minus strand). Cytogenetic location: Xq28.
Variant type: single nucleotide variant.
Coding change: c.25G>T on transcript NM_001110556.2 (MANE Select); coding-DNA position 25, G replaced by T.
Protein change: p.Gly9Cys; replaces glycine 9 with cysteine.
Molecular consequence: missense variant.
Genome position (GRCh38, 1-based): chrX:154,371,221, C>A on the plus strand (G>T on the coding strand, the complement: FLNA is on the minus strand). VCF-style: chrX-154371221-C-A. GRCh37 (hg19) VCF-style: chrX-153599589-C-A.
Other names: c.25G>T, p.Gly9Cys (NM_001456.4); c.25G>T (NM_001110556.1); short protein forms G9C.
Identifiers: ClinVar variation 435210 (VCV000435210.19), dbSNP rs782292045, ClinGen allele CA10561473.

ClinVar aggregate classification (germline): Conflicting classifications of pathogenicity. Review status: criteria provided, conflicting classifications (1 of 4 stars). 6 submissions from 6 submitters: Uncertain significance (2); Benign (1); Likely benign (2). 1 of the submissions does not count toward it. Last evaluated 2025-05-07.

Conditions:
FLNA-related disorder.
Familial thoracic aortic aneurysm and aortic dissection (TAAD). Also called: Thoracic aortic aneurysms and dissections. Identifiers: Orphanet 91387, MedGen C4707243, MONDO:0019625.
Melnick-Needles syndrome (MNS). Also called: MELNICK-NEEDLES OSTEODYSPLASTY; OSTEODYSPLASTY OF MELNICK AND NEEDLES; Melnick-Needles Syndrome (FLNA-MNS). Identifiers: Orphanet 2484, MedGen C0025237, MONDO:0010650, OMIM 309350.
Heterotopia, periventricular, X-linked dominant (PVNH1). Also called: PERIVENTRICULAR NODULAR HETEROTOPIA 4; HETEROTOPIA, PERIVENTRICULAR, 1; PERIVENTRICULAR NODULAR HETEROTOPIA 1; X-linked periventricular heterotopia. Identifiers: Orphanet 2149, Orphanet 82004, MedGen C1848213, MONDO:0010233, OMIM 300049.
Oto-palato-digital syndrome, type II (OPD2). Also called: FACIOPALATOOSSEOUS SYNDROME; Otopalatodigital Syndrome, Type II; OPD II SYNDROME; Otopalatodigital Syndrome Type 2 (FLNA-OPD2). Identifiers: Orphanet 669, Orphanet 90652, MedGen C1844696, MONDO:0010571, OMIM 304120.
Frontometaphyseal dysplasia (FMD1). Identifiers: Orphanet 1826, MedGen C0265293, MONDO:0015942.

Allele frequency attached by ClinVar (database versions not stated): gnomAD below 0.00001 and 0.00002.
gnomAD v4.1: 60 of 1,199,415 alleles (0.005%); highest among the groups gnomAD compares: South Asian, 0.092%; no homozygotes.

Submissions (6):

Labcorp Genetics (formerly Invitae), Labcorp
Classification: Benign for Oto-palato-digital syndrome, type II; Heterotopia, periventricular, X-linked dominant; Frontometaphyseal dysplasia; Melnick-Needles syndrome. Last evaluated: 2025-05-07. Review status: criteria provided, single submitter. Criteria: Invitae Variant Classification Sherloc (09022015). Collection method: clinical testing. Allele origin: germline.

Women's Health and Genetics/Laboratory Corporation of America, LabCorp
Classification: Likely benign. Last evaluated: 2024-08-28. Review status: criteria provided, single submitter. Criteria: LabCorp Variant Classification Summary - May 2015. Collection method: clinical testing. Allele origin: germline.
Comment: Variant summary: FLNA c.25G>T (p.Gly9Cys) results in a non-conservative amino acid change in the encoded protein sequence. Three of five in-silico tools predict a benign effect of the variant on protein function. The variant allele was found at a frequency of 5e-05 in 1199415 control chromosomes, including 34 hemizygotes (gnomAD v4), suggesting the variant may be benign. To our knowledge, no occurrence of c.25G>T in individuals affected with Periventricular Nodular Heterotopia 1 and no experimental evidence demonstrating its impact on protein function have been reported. ClinVar contains an entry for this variant (Variation ID: 435210). Based on the evidence outlined above, the variant was classified as likely benign.

Blueprint Genetics
Classification: Likely benign. Last evaluated: 2022-09-14. Review status: criteria provided, single submitter. Criteria: ACMG Guidelines, 2015. Collection method: clinical testing. Allele origin: germline.

Ambry Genetics
Classification: Uncertain significance for Familial thoracic aortic aneurysm and aortic dissection. Last evaluated: 2019-10-08. Review status: criteria provided, single submitter. Criteria: Ambry Variant Classification Scheme 2023. Collection method: clinical testing. Allele origin: germline.
Comment: The p.G9C variant (also known as c.25G>T), located in coding exon 1 of the FLNA gene, results from a G to T substitution at nucleotide position 25. The glycine at codon 9 is replaced by cysteine, an amino acid with highly dissimilar properties. This amino acid position is not well conserved in available vertebrate species. In addition, this alteration is predicted to be tolerated by in silico analysis. Since supporting evidence is limited at this time, the clinical significance of this alteration remains unclear.

Genetic Services Laboratory, University of Chicago
Classification: Uncertain significance. Last evaluated: 2015-10-22. Review status: criteria provided, single submitter. Criteria: ACMG Guidelines, 2015. Collection method: clinical testing. Allele origin: germline. Affected: no.

PreventionGenetics, part of Exact Sciences
Classification: Likely benign for FLNA-related condition. Last evaluated: 2024-02-07. Review status: no assertion criteria provided. Collection method: clinical testing. Allele origin: germline. Not counted in ClinVar's aggregate classification.
Comment: This variant is classified as likely benign based on ACMG/AMP sequence variant interpretation guidelines (Richards et al. 2015 PMID: 25741868, with internal and published modifications).